The following is an entry in ClinVar:

ClinVar aggregate classification (germline): Benign. Review status: criteria provided, multiple submitters, no conflicts (2 of 4 stars). 5 submissions from 5 submitters: Benign (5). Last evaluated 2026-01-27.

Conditions:
Hyperalphalipoproteinemia 1 (HALP1). Also called: CETP-Related Hyperalphalipoproteinemia; CETP DEFICIENCY. Identifiers: MedGen C3149462, OMIM 143470.

Allele frequency attached by ClinVar (database versions not stated): gnomAD 0.01971; TOPMed 0.02241; ESP Exome Variant Server 0.02255; 1000 Genomes Project 0.02316; 1000 Genomes Project 30x 0.02467.
gnomAD v4.1: 6,517 of 1,614,066 alleles (0.4%); highest among the groups gnomAD compares: African/African-American, 6.8%; 202 homozygotes.

Submissions (5):

Labcorp Genetics (formerly Invitae), Labcorp
Classification: Benign. Last evaluated: 2026-01-27. Review status: criteria provided, single submitter. Criteria: Invitae Variant Classification Sherloc (09022015). Collection method: clinical testing. Allele origin: germline.

Mayo Clinic Laboratories, Mayo Clinic
Classification: Benign. Last evaluated: 2024-06-12. Review status: criteria provided, single submitter. Criteria: ACMG Guidelines, 2015. Collection method: clinical testing. Allele origin: germline. Observed: 9 variant alleles.
Comment: BA1, BP4

GeneDx
Classification: Benign. Last evaluated: 2019-04-21. Review status: criteria provided, single submitter. Criteria: GeneDx Variant Classification Process June 2021. Collection method: clinical testing. Allele origin: germline. Affected: yes.
Comment: This variant is associated with the following publications: (PMID: 26683795)

Illumina Laboratory Services, Illumina
Classification: Benign for Hyperalphalipoproteinemia 1. Last evaluated: 2018-01-13. Review status: criteria provided, single submitter. Criteria: ICSL Variant Classification Criteria 13 December 2019. Collection method: clinical testing. Allele origin: germline.
Comment: This variant was observed in the ICSL laboratory as part of a predisposition screen in an ostensibly healthy population. It had not been previously curated by ICSL or reported in the Human Gene Mutation Database (HGMD: prior to June 1st, 2018), and was therefore a candidate for classification through an automated scoring system. Utilizing variant allele frequency, disease prevalence and penetrance estimates, and inheritance mode, an automated score was calculated to assess if this variant is too frequent to cause the disease. Based on the score and internal cut-off values, a variant classified as benign is not then subjected to further curation. The score for this variant resulted in a classification of benign for this disease.

Breakthrough Genomics
Classification: Benign. Review status: criteria provided, single submitter. Criteria: ACMG Guidelines, 2015. Collection method: not provided. Allele origin: germline. Inheritance: Autosomal dominant inheritance. Affected: yes.

Literature cited by the submitters: PubMed 26683795 (cited by Mayo Clinic Laboratories, Mayo Clinic); PubMed 36220816 (cited by Mayo Clinic Laboratories, Mayo Clinic).

NM_000078.3(CETP):c.44C>G (p.Ala15Gly)

Gene: CETP (cholesteryl ester transfer protein; plus strand). Cytogenetic location: 16q13.
Variant type: single nucleotide variant.
Coding change: c.44C>G on transcript NM_000078.3 (MANE Select); coding-DNA position 44, C replaced by G.
Protein change: p.Ala15Gly; replaces alanine 15 with glycine.
Molecular consequence: missense variant.
Genome position (GRCh38, 1-based): chr16:56,962,023, C>G. VCF-style: chr16-56962023-C-G. GRCh37 (hg19) VCF-style: chr16-56995935-C-G.
Other names: c.44C>G, p.Ala15Gly (NM_001286085.2); short protein forms A15G.
Identifiers: ClinVar variation 319970 (VCV000319970.19), dbSNP rs34065661, ClinGen allele CA8070732.